The following is an entry in ClinVar:

ClinVar aggregate classification (germline): Conflicting classifications of pathogenicity. Review status: criteria provided, conflicting classifications (1 of 4 stars). 2 submissions from 2 submitters: Uncertain significance (1); Likely benign (1). Last evaluated 2025-10-23.

Conditions:
Hereditary cancer-predisposing syndrome. Also called: Neoplastic Syndromes, Hereditary; Tumor predisposition; Hereditary Cancer Syndrome; Hereditary neoplastic syndrome. Identifiers: Orphanet 140162, MedGen C0027672, MeSH D009386, MONDO:0015356.
Neuroblastoma, susceptibility to, 3. Also called: ALK-Related Neuroblastic Tumor Susceptibility. Identifiers: Orphanet 635, MedGen C2751681, MONDO:0013083, OMIM 613014.

gnomAD v4.1: 4 of 1,614,010 alleles (0.00025%); highest among the groups gnomAD compares: African/African-American, 0.0013%; no homozygotes.

Submissions (2):

Labcorp Genetics (formerly Invitae), Labcorp
Classification: Uncertain significance for Neuroblastoma, susceptibility to, 3. Last evaluated: 2025-10-23. Review status: criteria provided, single submitter. Criteria: Invitae Variant Classification Sherloc (09022015). Collection method: clinical testing. Allele origin: germline.
Comment: This sequence change creates a premature translational stop signal (p.Gln698*) in the ALK gene. It is expected to result in an absent or disrupted protein product. However, the current clinical and genetic evidence is not sufficient to establish whether loss-of-function variants in ALK cause disease. This variant is present in population databases (rs779515896, gnomAD 0.0009%). This variant has not been reported in the literature in individuals affected with ALK-related conditions. ClinVar contains an entry for this variant (Variation ID: 4271505). In summary, the available evidence is currently insufficient to determine the role of this variant in disease. Therefore, it has been classified as a Variant of Uncertain Significance.

Ambry Genetics
Classification: Likely benign for Hereditary cancer-predisposing syndrome. Last evaluated: 2025-07-09. Review status: criteria provided, single submitter. Criteria: Ambry Variant Classification Scheme 2023. Collection method: clinical testing. Allele origin: germline.

NM_004304.5(ALK):c.2092C>T (p.Gln698Ter)

Gene: ALK (ALK receptor tyrosine kinase; minus strand). Cytogenetic location: 2p23.2.
Variant type: single nucleotide variant.
Coding change: c.2092C>T on transcript NM_004304.5 (MANE Select); coding-DNA position 2092, C replaced by T.
Protein change: p.Gln698Ter; replaces glutamine 698 with a stop codon.
Molecular consequence: nonsense.
Genome position (GRCh38, 1-based): chr2:29,251,217, G>A on the plus strand (C>T on the coding strand, the complement: ALK is on the minus strand). VCF-style: chr2-29251217-G-A. GRCh37 (hg19) VCF-style: chr2-29474083-G-A.
Other names: short protein forms Q698*.
Identifiers: ClinVar variation 4271505 (VCV004271505.2).